The following is an entry in ClinVar:

ClinVar aggregate classification (germline): Conflicting classifications of pathogenicity. Review status: criteria provided, conflicting classifications (1 of 4 stars). 3 submissions from 3 submitters: Uncertain significance (2); Likely benign (1). Last evaluated 2026-02-03.

Conditions:
Hereditary cancer-predisposing syndrome. Also called: Neoplastic Syndromes, Hereditary; Tumor predisposition; Hereditary Cancer Syndrome; Hereditary neoplastic syndrome. Identifiers: Orphanet 140162, MedGen C0027672, MeSH D009386, MONDO:0015356.

Allele frequency attached by ClinVar (database versions not stated): gnomAD exomes below 0.00001 and 0.00001; ExAC 0.00001; gnomAD 0.00001.
gnomAD v4.1: 19 of 1,613,940 alleles (0.0012%); highest among the groups gnomAD compares: Non-Finnish European, 0.0016%; no homozygotes.

Submissions (3):

Labcorp Genetics (formerly Invitae), Labcorp
Classification: Uncertain significance. Last evaluated: 2026-02-03. Review status: criteria provided, single submitter. Criteria: Invitae Variant Classification Sherloc (09022015). Collection method: clinical testing. Allele origin: germline.
Comment: This sequence change replaces valine, which is neutral and non-polar, with isoleucine, which is neutral and non-polar, at codon 1372 of the POLE protein (p.Val1372Ile). This variant is present in population databases (rs752606831, gnomAD 0.002%). This variant has not been reported in the literature in individuals affected with POLE-related conditions. ClinVar contains an entry for this variant (Variation ID: 649603). Invitae Evidence Modeling of protein sequence and biophysical properties (such as structural, functional, and spatial information, amino acid conservation, physicochemical variation, residue mobility, and thermodynamic stability) indicates that this missense variant is not expected to disrupt POLE protein function with a negative predictive value of 80%. In summary, the available evidence is currently insufficient to determine the role of this variant in disease. Therefore, it has been classified as a Variant of Uncertain Significance.

Ambry Genetics
Classification: Likely benign for Hereditary cancer-predisposing syndrome. Last evaluated: 2024-12-12. Review status: criteria provided, single submitter. Criteria: Ambry Variant Classification Scheme 2023. Collection method: clinical testing. Allele origin: germline.

GeneDx
Classification: Uncertain significance. Last evaluated: 2024-08-26. Review status: criteria provided, single submitter. Criteria: GeneDx Variant Classification Process June 2021. Collection method: clinical testing. Allele origin: germline. Affected: yes.
Comment: Not observed at significant frequency in large population cohorts (gnomAD); In silico analysis indicates that this missense variant does not alter protein structure/function; Has not been previously published as pathogenic or benign to our knowledge

NM_006231.4(POLE):c.4114G>A (p.Val1372Ile)

Gene: POLE (DNA polymerase epsilon, catalytic subunit; minus strand). Cytogenetic location: 12q24.33.
Variant type: single nucleotide variant.
Coding change: c.4114G>A on transcript NM_006231.4 (MANE Select); coding-DNA position 4114, G replaced by A.
Protein change: p.Val1372Ile; replaces valine 1372 with isoleucine.
Molecular consequence: missense variant.
Genome position (GRCh38, 1-based): chr12:132,648,964, C>T on the plus strand (G>A on the coding strand, the complement: POLE is on the minus strand). VCF-style: chr12-132648964-C-T. GRCh37 (hg19) VCF-style: chr12-133225550-C-T.
Other names: c.4114G>A (NM_006231.2); short protein forms V1372I.
Identifiers: ClinVar variation 649603 (VCV000649603.10), dbSNP rs752606831, ClinGen allele CA6892996.